The following is an entry in ClinVar:

NM_014000.3(VCL):c.2847C>G (p.Tyr949Ter)

Gene: VCL (vinculin; plus strand). Cytogenetic location: 10q22.2.
Variant type: single nucleotide variant.
Coding change: c.2847C>G on transcript NM_014000.3 (MANE Select); coding-DNA position 2847, C replaced by G.
Protein change: p.Tyr949Ter; replaces tyrosine 949 with a stop codon.
Molecular consequence: nonsense. On other transcripts: intron variant (1).
Genome position (GRCh38, 1-based): chr10:74,112,010, C>G. VCF-style: chr10-74112010-C-G. GRCh37 (hg19) VCF-style: chr10-75871768-C-G.
Other names: c.2746-2174C>G (NM_003373.4); short protein forms Y949*.
Identifiers: ClinVar variation 1440519 (VCV001440519.6), dbSNP rs770857763, ClinGen allele CA377264730.
Genomic context (GRCh38, chr10:74,112,010, plus strand): 5'-TGAGGCAGATGCGGCCGATGCTGCTGGCTTCCCTGTCCCCCCTGACATGGAAGACGATTA[C>G]GAACCTGAGCTGCTGTTAATGCCATCCAATCAGCCGGTCAACCAGCCCATTCTGGCCGCG-3'

ClinVar aggregate classification (germline): Uncertain significance (1 of 4 stars; one submission).

Conditions:
Dilated cardiomyopathy 1W (CMD1W). Identifiers: Orphanet 154, MedGen C1969639, MONDO:0012667, OMIM 611407.

gnomAD v4.1: 1 of 1,614,202 alleles (0.000062%); highest among the groups gnomAD compares: Non-Finnish European, 0.000085%; no homozygotes.

Submission:

Labcorp Genetics (formerly Invitae), Labcorp
Classification: Uncertain significance for Dilated cardiomyopathy 1W. Last evaluated: 2022-07-26. Review status: criteria provided, single submitter. Criteria: Invitae Variant Classification Sherloc (09022015). Collection method: clinical testing. Allele origin: germline.
Comment: This sequence change creates a premature translational stop signal (p.Tyr949*) in the VCL gene. It is expected to result in an absent or disrupted protein product. However, the current clinical and genetic evidence is not sufficient to establish whether loss-of-function variants in VCL cause disease. This variant is not present in population databases (gnomAD no frequency). This variant has not been reported in the literature in individuals affected with VCL-related conditions. ClinVar contains an entry for this variant (Variation ID: 1440519). Algorithms developed to predict the effect of sequence changes on RNA splicing suggest that this variant may disrupt the consensus splice site. In summary, the available evidence is currently insufficient to determine the role of this variant in disease. Therefore, it has been classified as a Variant of Uncertain Significance.